The following is an entry in ClinVar:

NM_152383.5(DIS3L2):c.1372A>G (p.Met458Val)

Gene: DIS3L2 (DIS3 like 3'-5' exoribonuclease 2; plus strand). Cytogenetic location: 2q37.1.
Variant type: single nucleotide variant.
Coding change: c.1372A>G on transcript NM_152383.5 (MANE Select); coding-DNA position 1372, A replaced by G.
Protein change: p.Met458Val; replaces methionine 458 with valine.
Molecular consequence: missense variant. On other transcripts: non-coding transcript variant (2).
Genome position (GRCh38, 1-based): chr2:232,249,293, A>G. VCF-style: chr2-232249293-A-G. GRCh37 (hg19) VCF-style: chr2-233114003-A-G.
Other names: c.1372A>G, p.Met458Val (NM_001257281.2); short protein forms M458V.
Identifiers: ClinVar variation 1494129 (VCV001494129.8), dbSNP rs1355288992, ClinGen allele CA351155463.

ClinVar aggregate classification (germline): Uncertain significance (1 of 4 stars; one submission).

Conditions:
Perlman syndrome (PRLMNS). Identifiers: Orphanet 2849, MedGen C0796113, MONDO:0009965, OMIM 267000.

Allele frequency attached by ClinVar (database versions not stated): gnomAD 0.00001; TOPMed 0.00001.
gnomAD v4.1: 7 of 1,614,020 alleles (0.00043%); highest among the groups gnomAD compares: East Asian, 0.0022%; no homozygotes.

Submission:

Labcorp Genetics (formerly Invitae), Labcorp
Classification: Uncertain significance for Perlman syndrome. Last evaluated: 2022-08-09. Review status: criteria provided, single submitter. Criteria: Invitae Variant Classification Sherloc (09022015). Collection method: clinical testing. Allele origin: germline.
Comment: In summary, the available evidence is currently insufficient to determine the role of this variant in disease. Therefore, it has been classified as a Variant of Uncertain Significance. Algorithms developed to predict the effect of missense changes on protein structure and function (SIFT, PolyPhen-2, Align-GVGD) all suggest that this variant is likely to be tolerated. ClinVar contains an entry for this variant (Variation ID: 1494129). This variant has not been reported in the literature in individuals affected with DIS3L2-related conditions. This variant is not present in population databases (gnomAD no frequency). This sequence change replaces methionine, which is neutral and non-polar, with valine, which is neutral and non-polar, at codon 458 of the DIS3L2 protein (p.Met458Val).